The following is an entry in ClinVar:

ClinVar aggregate classification (germline): Uncertain significance (1 of 4 stars; one submission).

Conditions:
Chédiak-Higashi syndrome (CHS). Also called: Chediak-Higashi Syndrome. Identifiers: Orphanet 167, MedGen C0007965, MONDO:0008963, OMIM 214500.

Submission:

Labcorp Genetics (formerly Invitae), Labcorp
Classification: Uncertain significance for Chédiak-Higashi syndrome. Last evaluated: 2021-12-19. Review status: criteria provided, single submitter. Criteria: Invitae Variant Classification Sherloc (09022015). Collection method: clinical testing. Allele origin: germline.
Comment: This sequence change replaces glutamic acid, which is acidic and polar, with glycine, which is neutral and non-polar, at codon 535 of the LYST protein (p.Glu535Gly). This variant is not present in population databases (gnomAD no frequency). This variant has not been reported in the literature in individuals affected with LYST-related conditions. Algorithms developed to predict the effect of missense changes on protein structure and function are either unavailable or do not agree on the potential impact of this missense change (SIFT: "Tolerated"; PolyPhen-2: "Probably Damaging"; Align-GVGD: "Class C0"). In summary, the available evidence is currently insufficient to determine the role of this variant in disease. Therefore, it has been classified as a Variant of Uncertain Significance.

NM_000081.4(LYST):c.1604A>G (p.Glu535Gly)

Gene: LYST (lysosomal trafficking regulator; minus strand). Cytogenetic location: 1q42.3.
Variant type: single nucleotide variant.
Coding change: c.1604A>G on transcript NM_000081.4 (MANE Select); coding-DNA position 1604, A replaced by G.
Protein change: p.Glu535Gly; replaces glutamic acid 535 with glycine.
Molecular consequence: missense variant.
Genome position (GRCh38, 1-based): chr1:235,809,214, T>C on the plus strand (A>G on the coding strand, the complement: LYST is on the minus strand). VCF-style: chr1-235809214-T-C. GRCh37 (hg19) VCF-style: chr1-235972514-T-C.
Other names: c.1604A>G, p.Glu535Gly (NM_001301365.1); short protein forms E535G.
Identifiers: ClinVar variation 2047728 (VCV002047728.4), dbSNP rs757826260, ClinGen allele CA344962033.